The following is an entry in ClinVar:

NM_001165963.4(SCN1A):c.2869T>G (p.Trp957Gly)

Gene: SCN1A (sodium voltage-gated channel alpha subunit 1; minus strand). Cytogenetic location: 2q24.3.
Variant type: single nucleotide variant.
Coding change: c.2869T>G on transcript NM_001165963.4 (MANE Select); coding-DNA position 2869, T replaced by G.
Protein change: p.Trp957Gly; replaces tryptophan 957 with glycine.
Molecular consequence: missense variant. On other transcripts: non-coding transcript variant (1).
Genome position (GRCh38, 1-based): chr2:166,037,853, A>C on the plus strand (T>G on the coding strand, the complement: SCN1A is on the minus strand). VCF-style: chr2-166037853-A-C. GRCh37 (hg19) VCF-style: chr2-166894363-A-C.
Other names: c.2785T>G, p.Trp929Gly (NM_001165964.3, NM_001353957.2, NM_001353958.2); c.2869T>G, p.Trp957Gly (NM_001202435.3, NM_001353948.2); c.2836T>G, p.Trp946Gly (NM_001353949.2, NM_001353950.2, NM_001353951.2 and 2 more transcripts); c.2833T>G, p.Trp945Gly (NM_001353954.2, NM_001353955.2); c.2782T>G, p.Trp928Gly (NM_001353960.2); c.427T>G, p.Trp143Gly (NM_001353961.2); short protein forms W143G, W946G, W928G, W929G, W945G, W957G.
Identifiers: ClinVar variation 940625 (VCV000940625.2), dbSNP rs1696618804, ClinGen allele CA349061078.
Genomic context (GRCh38, chr2:166,037,853, plus strand): 5'-CCATGACCATCATGAAGACAGTAAGGCACATGGCTTGACCAGCAACCTCCATACAGTCCC[A>C]CATGGTCTCTATCCACTCCCCACACAGCACGCGGAACACAATCAGGAAGGAGTGGAAGAA-3'
Protein context (NP_001159435.1, residues 947-967): VLCGEWIETM[Trp957Gly]DCMEVAGQAM

ClinVar aggregate classification (germline): Likely pathogenic (1 of 4 stars; one submission).

Conditions:
Developmental and epileptic encephalopathy. Identifiers: MedGen C5779964, MONDO:0100620.

Submission:

Labcorp Genetics (formerly Invitae), Labcorp
Classification: Likely pathogenic for Early infantile epileptic encephalopathy with suppression bursts. Last evaluated: 2019-08-23. Review status: criteria provided, single submitter. Criteria: Invitae Variant Classification Sherloc (09022015). Collection method: clinical testing. Allele origin: germline.
Comment: This sequence change replaces tryptophan with glycine at codon 957 of the SCN1A protein (p.Trp957Gly). The tryptophan residue is highly conserved and there is a large physicochemical difference between tryptophan and glycine. This variant is not present in population databases (ExAC no frequency). This variant has been observed in individual(s) with SCN1A-related conditions (Invitae). In at least one individual the variant was observed to be de novo. Algorithms developed to predict the effect of missense changes on protein structure and function (SIFT, PolyPhen-2, Align-GVGD) all suggest that this variant is likely to be disruptive, but these predictions have not been confirmed by published functional studies and their clinical significance is uncertain. In summary, the currently available evidence indicates that the variant is pathogenic, but additional data are needed to prove that conclusively. Therefore, this variant has been classified as Likely Pathogenic.